The following is an entry in ClinVar:

NM_000548.5(TSC2):c.3876C>T (p.Ser1292=)

Gene: TSC2 (TSC complex subunit 2; plus strand). Cytogenetic location: 16p13.3.
Variant type: single nucleotide variant.
Coding change: c.3876C>T on transcript NM_000548.5 (MANE Select); coding-DNA position 3876, C replaced by T.
Protein change: p.Ser1292=; no amino-acid change (serine 1292 retained).
Molecular consequence: synonymous variant. On other transcripts: non-coding transcript variant (1), intron variant (33).
Genome position (GRCh38, 1-based): chr16:2,082,497, C>T. VCF-style: chr16-2082497-C-T. GRCh37 (hg19) VCF-style: chr16-2132498-C-T.
Other names: c.3144C>T, p.Ser1048= (NM_001318831.2); c.3744C>T, p.Ser1248= (NM_001370404.1, NM_001406665.1); c.3747C>T, p.Ser1249= (NM_001370405.1, NM_021055.3); c.3873C>T, p.Ser1291= (NM_001406663.1); c.3276C>T, p.Ser1092= (NM_001406680.1); c.2403C>T, p.Ser801= (NM_001406690.1); c.2400C>T, p.Ser800= (NM_001406691.1); c.2341+699C>T (NM_001406693.1, NM_001406692.1, NM_001406694.1); and 25 more.
Identifiers: ClinVar variation 2893855 (VCV002893855.6), dbSNP rs1173548095, ClinGen allele CA492955764.

ClinVar aggregate classification (germline): Benign/Likely benign. Review status: criteria provided, multiple submitters, no conflicts (2 of 4 stars). 4 submissions from 4 submitters: Benign (1); Likely benign (3). Last evaluated 2025-09-24.

Conditions:
Tuberous sclerosis 2 (TSC2). Identifiers: Orphanet 805, MedGen C1860707, MONDO:0013199, OMIM 613254.
Hereditary cancer-predisposing syndrome. Also called: Neoplastic Syndromes, Hereditary; Tumor predisposition; Hereditary neoplastic syndrome; Hereditary Cancer Syndrome. Identifiers: Orphanet 140162, MedGen C0027672, MeSH D009386, MONDO:0015356.
Tuberous sclerosis syndrome (TSC). Also called: Tuberous Sclerosis Complex; Tuberous sclerosis. Identifiers: Orphanet 805, MedGen C0041341, MONDO:0001734.

Submissions (4):

Labcorp Genetics (formerly Invitae), Labcorp
Classification: Likely benign for Tuberous sclerosis 2. Last evaluated: 2025-09-24. Review status: criteria provided, single submitter. Criteria: Invitae Variant Classification Sherloc (09022015). Collection method: clinical testing. Allele origin: germline.

Myriad Genetics, Inc.
Classification: Benign for Tuberous sclerosis 2. Last evaluated: 2025-05-30. Review status: criteria provided, single submitter. Criteria: Myriad Autosomal Dominant, Autosomal Recessive and X-Linked Classification Criteria (2023). Collection method: clinical testing. Allele origin: unknown.
Comment: This variant is considered benign. This variant is a silent/synonymous amino acid change and it is not expected to impact splicing.

Ambry Genetics
Classification: Likely benign for Hereditary cancer-predisposing syndrome. Last evaluated: 2025-05-19. Review status: criteria provided, single submitter. Criteria: Ambry Variant Classification Scheme 2023. Collection method: clinical testing. Allele origin: germline.

All of Us Research Program, National Institutes of Health
Classification: Likely benign for Tuberous sclerosis syndrome. Last evaluated: 2023-10-02. Review status: criteria provided, single submitter. Criteria: ACMG Guidelines, 2015. Collection method: clinical testing. Allele origin: germline. Inheritance: Autosomal dominant inheritance. Observed: 1 variant allele, 1 heterozygote.
Comment: This study involves interpretation of variants in research participants for the purpose of population health screening. Participant phenotype was not available at the time of variant classification. Additional details can be found in publication PMID: 35346344, PMCID: PMC8962531